The following is an entry in ClinVar:

NM_000540.3(RYR1):c.14120_14129+14del

Gene: RYR1 (ryanodine receptor 1; plus strand). Cytogenetic location: 19q13.2.
Variant type: Deletion.
Coding change: c.14120_14129+14del on transcript NM_000540.3 (MANE Select); coding-DNA position 14120 through 14 bases into the intron after coding-DNA position 14129, 24 bases deleted (TCAACACGCCGTAAGGACCCAGCC).
Molecular consequence: splice donor variant.
Genome position (GRCh38, 1-based): chr19:38,573,298-38,573,321, TCAACACGCCGTAAGGACCCAGCC deleted; deleting any 24 consecutive bases within chr19:38,573,297-38,573,321 gives the same sequence; the c. name uses the placement nearest the transcript's 3' end. VCF-style (leftmost placement, unchanged base first): chr19-38573296-GCTCAACACGCCGTAAGGACCCAGC-G. GRCh37 (hg19) VCF-style: chr19-39063936-GCTCAACACGCCGTAAGGACCCAGC-G.
Other names: c.14105_14114+14del (NM_001042723.2).
Identifiers: ClinVar variation 3016948 (VCV003016948.3), dbSNP rs762073383, ClinGen allele CA9415949.

ClinVar aggregate classification (germline): Pathogenic (1 of 4 stars; one submission).

Conditions:
RYR1-related disorder. Also called: RYR1-related condition; RYR1-related disorders. Identifiers: MedGen CN239331.

Submission:

Labcorp Genetics (formerly Invitae), Labcorp
Classification: Pathogenic for RYR1-related disorder. Last evaluated: 2023-05-22. Review status: criteria provided, single submitter. Criteria: Invitae Variant Classification Sherloc (09022015). Collection method: clinical testing. Allele origin: germline.
Comment: For these reasons, this variant has been classified as Pathogenic. This variant disrupts a region of the RYR1 protein in which other variant(s) (p.Thr4709Met) have been determined to be pathogenic (PMID: 17483490, 23919265, 31055738; Invitae). This suggests that this is a clinically significant region of the protein, and that variants that disrupt it are likely to be disease-causing. Algorithms developed to predict the effect of sequence changes on RNA splicing suggest that this variant may disrupt the consensus splice site. This variant has not been reported in the literature in individuals affected with RYR1-related conditions. This variant is present in population databases (rs762073383, gnomAD 0.007%). This variant results in the deletion of part of exon 96 (c.14120_14129+14del) of the RYR1 gene. It is expected to disrupt RNA splicing. Variants that disrupt the donor or acceptor splice site typically lead to a loss of protein function (PMID: 16199547), and loss-of-function variants in RYR1 are known to be pathogenic (PMID: 23919265, 25960145, 28818389, 30611313).

Literature cited by the submitters: PubMed 17483490; PubMed 23919265; PubMed 31055738; PubMed 16199547; PubMed 25960145; PubMed 28818389; PubMed 30611313.